The following is an entry in ClinVar:

ClinVar aggregate classification (germline): Conflicting classifications of pathogenicity. Review status: criteria provided, conflicting classifications (1 of 4 stars). 5 submissions from 5 submitters: Uncertain significance (2); Likely benign (3). Last evaluated 2026-03-02.

Conditions:
Cardiovascular phenotype. Identifiers: MedGen CN230736.
Long QT syndrome (LQTS). Identifiers: MedGen C0023976, MeSH D008133, MONDO:0002442. Disease mechanism: loss of function. Inheritance: Various modes of inheritance.

Allele frequency attached by ClinVar (database versions not stated): ExAC 0.00001; gnomAD 0.00001; gnomAD exomes 0.00005 and 0.00001; TOPMed 0.00001.
gnomAD v4.1: 17 of 1,599,110 alleles (0.0011%); highest among the groups gnomAD compares: East Asian, 0.038%; no homozygotes.

Submissions (5):

Women's Health and Genetics/Laboratory Corporation of America, LabCorp
Classification: Likely benign. Last evaluated: 2026-03-02. Review status: criteria provided, single submitter. Criteria: LabCorp Variant Classification Summary - May 2015. Collection method: clinical testing. Allele origin: germline.

Labcorp Genetics (formerly Invitae), Labcorp
Classification: Likely benign for Long QT syndrome. Last evaluated: 2025-12-14. Review status: criteria provided, single submitter. Criteria: Invitae Variant Classification Sherloc (09022015). Collection method: clinical testing. Allele origin: germline.

Ambry Genetics
Classification: Likely benign for Cardiovascular phenotype. Last evaluated: 2022-10-28. Review status: criteria provided, single submitter. Criteria: Ambry Variant Classification Scheme 2023. Collection method: clinical testing. Allele origin: germline.

GeneDx
Classification: Uncertain significance. Last evaluated: 2012-02-28. Review status: criteria provided, single submitter. Criteria: GeneDx Variant Classification (06012015). Collection method: clinical testing. Allele origin: germline. Affected: yes.
Comment: The Asn839Lys variant in the CACNA1C gene has not been reported previously as a disease-causing mutation or as a benign polymorphism, to our knowledge. Asn839Lys results in a semi-conservative amino acid substitution of an uncharged, polar Asparagine residue with a positively charged Lysine residue at a position that is conserved in mammalian species. Also, the NHLBI ESP Exome Variant Server reports Asn839Lys was not observed in approximately 5,000 samples from individuals of European and African American backgrounds, indicating it is not a common benign variant in these populations. Nevertheless, no mutations in nearby codons have been reported indicating this region of the protein may be tolerant of change. Furthermore, multiple in silico analyses yield conflicting predictions regarding the effect of Asn839Lys on the protein structure/function. In summary, with the clinical and molecular information available at this time, we cannot unequivocally determine if the Asn839Lys variant is a disease-causing mutation or a rare benign variant. The variant is found in BRUGADA panel(s).

Stanford Center for Inherited Cardiovascular Disease, Stanford University
Classification: Uncertain significance. Review status: criteria provided, single submitter. Criteria: ACMG Guidelines, 2015. Collection method: provider interpretation. Allele origin: germline.

NM_000719.7(CACNA1C):c.2517C>A (p.Asn839Lys)

Gene: CACNA1C (calcium voltage-gated channel subunit alpha1 C; plus strand). Cytogenetic location: 12p13.33.
Variant type: single nucleotide variant.
Coding change: c.2517C>A on transcript NM_000719.7 (MANE Select); coding-DNA position 2517, C replaced by A.
Protein change: p.Asn839Lys; replaces asparagine 839 with lysine.
Molecular consequence: missense variant.
Genome position (GRCh38, 1-based): chr12:2,585,891, C>A. VCF-style: chr12-2585891-C-A. GRCh37 (hg19) VCF-style: chr12-2695057-C-A.
Other names: p.N839K:AAC>AAA; c.2517C>A, p.Asn839Lys (NM_001129827.2, NM_001129829.2, NM_001129830.3 and 18 more transcripts); c.2508C>A, p.Asn836Lys (NM_001129844.2); short protein forms N839K, N836K.
Identifiers: ClinVar variation 190651 (VCV000190651.13), dbSNP rs774002530, ClinGen allele CA301380.